The following is an entry in ClinVar:

NM_133379.5(TTN):c.15926A>G (p.Glu5309Gly)

Gene: TTN (titin; minus strand). Cytogenetic location: 2q31.2.
Variant type: single nucleotide variant.
Coding change: c.15926A>G on transcript NM_133379.5; coding-DNA position 15926, A replaced by G.
Protein change: p.Glu5309Gly; replaces glutamic acid 5309 with glycine.
Molecular consequence: missense variant. On other transcripts: intron variant (6).
Genome position (GRCh38, 1-based): chr2:178,746,474, T>C on the plus strand (A>G on the coding strand, the complement: TTN is on the minus strand). VCF-style: chr2-178746474-T-C. GRCh37 (hg19) VCF-style: chr2-179611201-T-C.
Other names: p.E5309G:GAA>GGA; c.10361-4553A>G (NM_001256850.1); c.10223-4553A>G (NM_003319.4); c.10799-4553A>G (NM_133437.4); c.10598-4553A>G (NM_133432.3); c.10360+6650A>G (NM_133378.4); c.11312-4553A>G (NM_001267550.2); short protein forms E5309G.
Identifiers: ClinVar variation 47789 (VCV000047789.7), dbSNP rs150017914, ClinGen allele CA141898.
Genomic context (GRCh38, chr2:178,746,474, plus strand): 5'-TTCACCTGCTTCTCAAATTCTTTAACGTCTTTTTCACTTAATTCAACTTCCAGGACAATT[T>C]CTTGAGGAGAAGGTGTTCTTGATGATGTGGTGTGTTCCAAATCAAACTCCATGACATGCT-3'

ClinVar aggregate classification (germline): Uncertain significance. Review status: criteria provided, multiple submitters, no conflicts (2 of 4 stars). 3 submissions from 3 submitters: Uncertain significance (3). Last evaluated 2014-09-08.

Allele frequency attached by ClinVar (database versions not stated): gnomAD exomes 0.00002 and 0.00004; gnomAD 0.00003 and 0.00004; TOPMed 0.00003; ExAC 0.00007; ESP Exome Variant Server 0.00015.
gnomAD v4.1: 27 of 1,612,500 alleles (0.0017%); highest among the groups gnomAD compares: Middle Eastern, 0.049%; no homozygotes.

Submissions (3):

GeneDx
Classification: Uncertain significance. Last evaluated: 2014-09-08. Review status: criteria provided, single submitter. Criteria: GeneDx Variant Classification (06012015). Collection method: clinical testing. Allele origin: germline. Affected: yes.
Comment: Missense variants in the TTN gene are considered 'unclassified' if they are not previously reported in the literature and do not have >1% frequency in the population to be considered a polymorphism. Research indicates that truncating mutations in the TTN gene are expected to account for approximately 25% of familial and 18% of sporadic idiopathic DCM; however, truncating variants in the TTN gene have been reported in approximately 3% of reported control alleles. There has been little investigation into non-truncating variants. (Herman D et al. Truncations of titin causing dilated cardiomyopathy. N Eng J Med 366:619-628, 2012) The variant is found in CARDIOMYOPATHY panel(s).

Laboratory for Molecular Medicine, Mass General Brigham Personalized Medicine
Classification: Uncertain significance. Last evaluated: 2011-10-06. Review status: criteria provided, single submitter. Criteria: LMM Criteria. Collection method: clinical testing. Allele origin: germline. Observed: 1 variant allele.
Comment: The Glu5309Gly variant (TTN) is present in dbSNP (reportedly absent in a cohort of 4500 chromosomes (rs150017914). Amino acid conservation data and computationa l predictions are limited. In summary, additional data is needed to determine th e clinical significance of this variant.

Breakthrough Genomics
Classification: Uncertain significance. Review status: criteria provided, single submitter. Criteria: ACMG Guidelines, 2015. Collection method: not provided. Allele origin: germline. Inheritance: Autosomal recessive inheritance. Affected: yes.